The following is an entry in ClinVar:

NM_032228.6(FAR1):c.212A>G (p.Glu71Gly)

Gene: FAR1 (fatty acyl-CoA reductase 1; plus strand). Cytogenetic location: 11p15.3.
Variant type: single nucleotide variant.
Coding change: c.212A>G on transcript NM_032228.6 (MANE Select); coding-DNA position 212, A replaced by G.
Protein change: p.Glu71Gly; replaces glutamic acid 71 with glycine.
Molecular consequence: missense variant.
Genome position (GRCh38, 1-based): chr11:13,700,339, A>G. VCF-style: chr11-13700339-A-G. GRCh37 (hg19) VCF-style: chr11-13721886-A-G.
Other names: short protein forms E71G.
Identifiers: ClinVar variation 2838310 (VCV002838310.3), dbSNP rs2500114053, ClinGen allele CA379856364.

ClinVar aggregate classification (germline): Uncertain significance (1 of 4 stars; one submission).

Submission:

Labcorp Genetics (formerly Invitae), Labcorp
Classification: Uncertain significance. Last evaluated: 2024-04-11. Review status: criteria provided, single submitter. Criteria: Invitae Variant Classification Sherloc (09022015). Collection method: clinical testing. Allele origin: germline.
Comment: This sequence change replaces glutamic acid, which is acidic and polar, with glycine, which is neutral and non-polar, at codon 71 of the FAR1 protein (p.Glu71Gly). This variant is not present in population databases (gnomAD no frequency). This variant has not been reported in the literature in individuals affected with FAR1-related conditions. Advanced modeling of protein sequence and biophysical properties (such as structural, functional, and spatial information, amino acid conservation, physicochemical variation, residue mobility, and thermodynamic stability) performed at Invitae indicates that this missense variant is not expected to disrupt FAR1 protein function with a negative predictive value of 80%. In summary, the available evidence is currently insufficient to determine the role of this variant in disease. Therefore, it has been classified as a Variant of Uncertain Significance.